The following is an entry in ClinVar:

NM_001100913.3(PACS2):c.1127G>C (p.Gly376Ala)

Gene: PACS2 (phosphofurin acidic cluster sorting protein 2; plus strand). Cytogenetic location: 14q32.33.
Variant type: single nucleotide variant.
Coding change: c.1127G>C on transcript NM_001100913.3 (MANE Select); coding-DNA position 1127, G replaced by C.
Protein change: p.Gly376Ala; replaces glycine 376 with alanine.
Molecular consequence: missense variant.
Genome position (GRCh38, 1-based): chr14:105,380,958, G>C. VCF-style: chr14-105380958-G-C. GRCh37 (hg19) VCF-style: chr14-105847295-G-C.
Other names: c.902G>C, p.Gly301Ala (NM_001243127.3); c.1127G>C, p.Gly376Ala (NM_015197.4); short protein forms G376A, G301A.
Identifiers: ClinVar variation 1363415 (VCV001363415.8), dbSNP rs1029102035, ClinGen allele CA266574399.

ClinVar aggregate classification (germline): Uncertain significance (1 of 4 stars; one submission).

gnomAD v4.1: 3 of 1,609,820 alleles (0.00019%); highest among the groups gnomAD compares: Non-Finnish European, 0.00025%; no homozygotes.

Submission:

Labcorp Genetics (formerly Invitae), Labcorp
Classification: Uncertain significance. Last evaluated: 2021-06-25. Review status: criteria provided, single submitter. Criteria: Invitae Variant Classification Sherloc (09022015). Collection method: clinical testing. Allele origin: germline.
Comment: In summary, the available evidence is currently insufficient to determine the role of this variant in disease. Therefore, it has been classified as a Variant of Uncertain Significance. Algorithms developed to predict the effect of missense changes on protein structure and function (SIFT, PolyPhen-2, Align-GVGD) all suggest that this variant is likely to be tolerated, but these predictions have not been confirmed by published functional studies and their clinical significance is uncertain. This variant has not been reported in the literature in individuals with PACS2-related conditions. This variant is not present in population databases (ExAC no frequency). This sequence change replaces glycine with alanine at codon 376 of the PACS2 protein (p.Gly376Ala). The glycine residue is weakly conserved and there is a small physicochemical difference between glycine and alanine.